The following is an entry in ClinVar:

ClinVar aggregate classification (germline): Uncertain significance. Review status: criteria provided, multiple submitters, no conflicts (2 of 4 stars). 3 submissions from 3 submitters: Uncertain significance (3). Last evaluated 2025-12-29.

Conditions:
Hereditary cancer-predisposing syndrome. Also called: Neoplastic Syndromes, Hereditary; Hereditary Cancer Syndrome; Tumor predisposition; Hereditary neoplastic syndrome. Identifiers: Orphanet 140162, MedGen C0027672, MeSH D009386, MONDO:0015356.
Renal cell carcinoma. Identifiers: Orphanet 217071, MedGen C0007134, MeSH D002292, MONDO:0005086, HP:0005584.

Allele frequency attached by ClinVar (database versions not stated): gnomAD exomes below 0.00001; gnomAD 0.00001; 1000 Genomes Project 30x 0.00016.
gnomAD v4.1: 3 of 1,613,880 alleles (0.00019%); highest among the groups gnomAD compares: African/African-American, 0.0013%; no homozygotes.

Submissions (3):

Center for Genomic Medicine, Rigshospitalet, Copenhagen University Hospital
Classification: Uncertain significance. Last evaluated: 2025-12-29. Review status: criteria provided, single submitter. Criteria: ACMG Guidelines, 2015. Collection method: clinical testing. Allele origin: germline.

Labcorp Genetics (formerly Invitae), Labcorp
Classification: Uncertain significance for Renal cell carcinoma. Last evaluated: 2025-03-02. Review status: criteria provided, single submitter. Criteria: Invitae Variant Classification Sherloc (09022015). Collection method: clinical testing. Allele origin: germline.
Comment: This sequence change replaces histidine, which is basic and polar, with arginine, which is basic and polar, at codon 1124 of the MET protein (p.His1124Arg). This variant is not present in population databases (gnomAD no frequency). This variant has not been reported in the literature in individuals affected with MET-related conditions. ClinVar contains an entry for this variant (Variation ID: 2692126). Invitae Evidence Modeling of protein sequence and biophysical properties (such as structural, functional, and spatial information, amino acid conservation, physicochemical variation, residue mobility, and thermodynamic stability) has been performed for this missense variant. However, the output from this modeling did not meet the statistical confidence thresholds required to predict the impact of this variant on MET protein function. In summary, the available evidence is currently insufficient to determine the role of this variant in disease. Therefore, it has been classified as a Variant of Uncertain Significance.

Ambry Genetics
Classification: Uncertain significance for Hereditary cancer-predisposing syndrome. Last evaluated: 2024-02-22. Review status: criteria provided, single submitter. Criteria: Ambry Variant Classification Scheme 2023. Collection method: clinical testing. Allele origin: germline.
Comment: The p.H1124R variant (also known as c.3371A>G), located in coding exon 15 of the MET gene, results from an A to G substitution at nucleotide position 3371. The histidine at codon 1124 is replaced by arginine, an amino acid with highly similar properties. This amino acid position is conserved. In addition, the in silico prediction for this alteration is inconclusive. Based on the available evidence, the clinical significance of this alteration remains unclear.

NM_000245.4(MET):c.3317A>G (p.His1106Arg)

Gene: MET (MET proto-oncogene, receptor tyrosine kinase; plus strand). Cytogenetic location: 7q31.2.
Variant type: single nucleotide variant.
Coding change: c.3317A>G on transcript NM_000245.4 (MANE Select); coding-DNA position 3317, A replaced by G.
Protein change: p.His1106Arg; replaces histidine 1106 with arginine.
Molecular consequence: missense variant.
Genome position (GRCh38, 1-based): chr7:116,777,446, A>G. VCF-style: chr7-116777446-A-G. GRCh37 (hg19) VCF-style: chr7-116417500-A-G.
Other names: c.3371A>G, p.His1124Arg (NM_001127500.3); c.2027A>G, p.His676Arg (NM_001324402.2); short protein forms H1106R, H1124R, H676R.
Identifiers: ClinVar variation 2692126 (VCV002692126.5), dbSNP rs2117040242, ClinGen allele CA368989799.